The following is an entry in ClinVar:

ClinVar aggregate classification (germline): Conflicting classifications of pathogenicity. Review status: criteria provided, conflicting classifications (1 of 4 stars). 3 submissions from 3 submitters: Uncertain significance (1); Benign (1); Likely benign (1). Last evaluated 2026-01-18.

Conditions:
COL2A1-related disorder. Also called: COL2A1-related condition; COL2A1-related disorders.

Allele frequency attached by ClinVar (database versions not stated): gnomAD exomes below 0.00001 and 0.00001; ESP Exome Variant Server 0.00008; TOPMed 0.00009; gnomAD 0.00011 and 0.00012.
gnomAD v4.1: 22 of 1,554,484 alleles (0.0014%); highest among the groups gnomAD compares: African/African-American, 0.027%; no homozygotes.

Submissions (3):

Labcorp Genetics (formerly Invitae), Labcorp
Classification: Benign. Last evaluated: 2026-01-18. Review status: criteria provided, single submitter. Criteria: Invitae Variant Classification Sherloc (09022015). Collection method: clinical testing. Allele origin: germline.

Women's Health and Genetics/Laboratory Corporation of America, LabCorp
Classification: Likely benign. Last evaluated: 2024-05-07. Review status: criteria provided, single submitter. Criteria: LabCorp Variant Classification Summary - May 2015. Collection method: clinical testing. Allele origin: germline.

PreventionGenetics, part of Exact Sciences
Classification: Uncertain significance for COL2A1-related condition. Last evaluated: 2022-12-05. Review status: criteria provided, single submitter. Criteria: ACMG Guidelines, 2015. Collection method: clinical testing. Allele origin: germline.
Comment: The COL2A1 c.2382T>A variant is not predicted to result in an amino acid change (p.=). This variant is predicted to enhance a cryptic splice site based on available splicing prediction programs (Alamut Visual Plus v1.6.1). However, such computer prediction programs are imperfect. To our knowledge, this variant has not been reported in the literature. This variant is reported in 0.022% of alleles in individuals of African descent in gnomAD. At this time, the clinical significance of this variant is uncertain due to the absence of conclusive functional and genetic evidence.

NM_001844.5(COL2A1):c.2382T>A (p.Pro794=)

Gene: COL2A1 (collagen type II alpha 1 chain; minus strand). Cytogenetic location: 12q13.11.
Variant type: single nucleotide variant.
Coding change: c.2382T>A on transcript NM_001844.5 (MANE Select); coding-DNA position 2382, T replaced by A.
Protein change: p.Pro794=; no amino-acid change (proline 794 retained).
Molecular consequence: synonymous variant.
Genome position (GRCh38, 1-based): chr12:47,981,803, A>T on the plus strand (T>A on the coding strand, the complement: COL2A1 is on the minus strand). VCF-style: chr12-47981803-A-T. GRCh37 (hg19) VCF-style: chr12-48375586-A-T.
Other names: c.2382T>A (NM_001844.4); c.2175T>A, p.Pro725= (NM_033150.3).
Identifiers: ClinVar variation 1383662 (VCV001383662.9), dbSNP rs373352689, ClinGen allele CA236523955.